The following is an entry in ClinVar:

NM_213649.2(SFXN4):c.360+6C>G

Gene: SFXN4 (sideroflexin 4; minus strand). Cytogenetic location: 10q26.11.
Variant type: single nucleotide variant.
Coding change: c.360+6C>G on transcript NM_213649.2 (MANE Select); 6 bases into the intron after coding-DNA position 360, C replaced by G.
Molecular consequence: intron variant.
Genome position (GRCh38, 1-based): chr10:119,159,722, G>C on the plus strand (C>G on the coding strand, the complement: SFXN4 is on the minus strand). VCF-style: chr10-119159722-G-C. GRCh37 (hg19) VCF-style: chr10-120919234-G-C.
Identifiers: ClinVar variation 507438 (VCV000507438.19), dbSNP rs139938492, ClinGen allele CA5714601.

ClinVar aggregate classification (germline): Benign/Likely benign. Review status: criteria provided, multiple submitters, no conflicts (2 of 4 stars). 3 submissions from 3 submitters: Benign (2); Likely benign (1). Last evaluated 2025-10-01.

Allele frequency attached by ClinVar (database versions not stated): gnomAD exomes 0.00028 and 0.00076; ExAC 0.00098; 1000 Genomes Project 0.00300; gnomAD 0.00316 and 0.00338; 1000 Genomes Project 30x 0.00328; ESP Exome Variant Server 0.00338; TOPMed 0.00343.
gnomAD v4.1: 905 of 1,613,970 alleles (0.056%); highest among the groups gnomAD compares: African/African-American, 1.1%; 4 homozygotes.

Submissions (3):

CeGaT Center for Human Genetics Tuebingen
Classification: Likely benign. Last evaluated: 2025-10-01. Review status: criteria provided, single submitter. Criteria: CeGaT Center For Human Genetics Tuebingen Variant Classification Criteria Version 2. Collection method: clinical testing. Allele origin: germline. Affected: yes. Observed: 1 variant allele.
Comment: SFXN4: BP4, BS1

Labcorp Genetics (formerly Invitae), Labcorp
Classification: Benign. Last evaluated: 2025-08-11. Review status: criteria provided, single submitter. Criteria: Invitae Variant Classification Sherloc (09022015). Collection method: clinical testing. Allele origin: germline.

GeneDx
Classification: Benign. Last evaluated: 2018-05-08. Review status: criteria provided, single submitter. Criteria: GeneDx Variant Classification Process June 2021. Collection method: clinical testing. Allele origin: germline. Affected: yes.